The following is an entry in ClinVar:

NM_002500.5(NEUROD1):c.758T>C (p.Leu253Pro)

Gene: NEUROD1 (neuronal differentiation 1; minus strand). Cytogenetic location: 2q31.3.
Variant type: single nucleotide variant.
Coding change: c.758T>C on transcript NM_002500.5 (MANE Select); coding-DNA position 758, T replaced by C.
Protein change: p.Leu253Pro; replaces leucine 253 with proline.
Molecular consequence: missense variant.
Genome position (GRCh38, 1-based): chr2:181,678,103, A>G on the plus strand (T>C on the coding strand, the complement: NEUROD1 is on the minus strand). VCF-style: chr2-181678103-A-G. GRCh37 (hg19) VCF-style: chr2-182542830-A-G.
Other names: short protein forms L253P.
Identifiers: ClinVar variation 1038985 (VCV001038985.13), dbSNP rs147634094, ClinGen allele CA2011066.
Genomic context (GRCh38, chr2:181,678,103, plus strand): 5'-AGGGGTCCATCAAAGGAAGGGCTGGTGCAATCAGTCAGAGGGCTTTCAAAGAAGGGCTCC[A>G]GCGCTGCGCTGTAGGCGTGCGGCGGAGGCTTAACGTGGAAGACATGGGAGCTGTCCATGG-3'
Protein context (NP_002491.3, residues 243-263): KPPPHAYSAA[Leu253Pro]EPFFESPLTD

ClinVar aggregate classification (germline): Uncertain significance. Review status: criteria provided, multiple submitters, no conflicts (2 of 4 stars). 4 submissions from 4 submitters: Uncertain significance (4). Last evaluated 2024-09-23.

Conditions:
Type 2 diabetes mellitus. Also called: Type II diabetes mellitus. Identifiers: MedGen C0011860, MeSH D003924, MONDO:0005148, OMIM 125853, HP:0005978.
Maturity-onset diabetes of the young type 6 (MODY6). Identifiers: Orphanet 552, MedGen C1853371, MONDO:0011668, OMIM 606394.

Allele frequency attached by ClinVar (database versions not stated): ExAC 0.00004; gnomAD exomes 0.00005 and 0.00013; gnomAD 0.00008 and 0.00009; TOPMed 0.00008.
gnomAD v4.1: 193 of 1,614,128 alleles (0.012%); highest among the groups gnomAD compares: Non-Finnish European, 0.016%; no homozygotes.

Submissions (4):

Blueprint Genetics
Classification: Uncertain significance. Last evaluated: 2024-09-23. Review status: criteria provided, single submitter. Criteria: ACMG Guidelines, 2015. Collection method: clinical testing. Allele origin: germline.

Labcorp Genetics (formerly Invitae), Labcorp
Classification: Uncertain significance. Last evaluated: 2024-09-04. Review status: criteria provided, single submitter. Criteria: Invitae Variant Classification Sherloc (09022015). Collection method: clinical testing. Allele origin: germline.
Comment: This sequence change replaces leucine, which is neutral and non-polar, with proline, which is neutral and non-polar, at codon 253 of the NEUROD1 protein (p.Leu253Pro). This variant is present in population databases (rs147634094, gnomAD 0.02%). This variant has not been reported in the literature in individuals affected with NEUROD1-related conditions. ClinVar contains an entry for this variant (Variation ID: 1038985). Invitae Evidence Modeling of protein sequence and biophysical properties (such as structural, functional, and spatial information, amino acid conservation, physicochemical variation, residue mobility, and thermodynamic stability) indicates that this missense variant is not expected to disrupt NEUROD1 protein function with a negative predictive value of 80%. In summary, the available evidence is currently insufficient to determine the role of this variant in disease. Therefore, it has been classified as a Variant of Uncertain Significance.

Fulgent Genetics
Classification: Uncertain significance for Type 2 diabetes mellitus; Maturity-onset diabetes of the young type 6. Last evaluated: 2024-04-01. Review status: criteria provided, single submitter. Criteria: ACMG Guidelines, 2015. Collection method: clinical testing. Allele origin: germline.

GeneDx
Classification: Uncertain significance. Last evaluated: 2022-04-26. Review status: criteria provided, single submitter. Criteria: GeneDx Variant Classification Process June 2021. Collection method: clinical testing. Allele origin: germline. Affected: yes.
Comment: In silico analysis supports that this missense variant does not alter protein structure/function; Has not been previously published as pathogenic or benign to our knowledge